The following is an entry in ClinVar:

ClinVar aggregate classification (germline): Likely pathogenic. Review status: criteria provided, multiple submitters, no conflicts (2 of 4 stars). 2 submissions from 2 submitters: Likely pathogenic (2). Last evaluated 2024-10-31.

Conditions:
Leber congenital amaurosis (LCA). Also called: Leber's amaurosis. Identifiers: Orphanet 65, MedGen C0339527, MeSH D057130, MONDO:0018998.
Joubert syndrome 5 (JBTS5). Identifiers: Orphanet 2318, MedGen C1857780, MONDO:0012432, OMIM 610188.
Senior-Loken syndrome 6 (SLSN6). Identifiers: Orphanet 3156, MedGen C1857779, MONDO:0012433, OMIM 610189.
Bardet-Biedl syndrome 14 (BBS14). Identifiers: Orphanet 110, MedGen C2673874, MONDO:0014442, OMIM 615991.
Leber congenital amaurosis 10 (LCA10). Identifiers: Orphanet 65, MedGen C1857821, MONDO:0012723, OMIM 611755.
Meckel syndrome, type 4 (MKS4). Also called: MECKEL-GRUBER SYNDROME, TYPE 4. Identifiers: Orphanet 564, MedGen C1970161, MONDO:0012626, OMIM 611134.

Submissions (2):

Natera, Inc.
Classification: Likely pathogenic for Leber congenital amaurosis. Last evaluated: 2024-10-31. Review status: criteria provided, single submitter. Criteria: Natera Variant Classification Schema (03/2026). Collection method: clinical testing. Allele origin: germline.
Comment: The c.6400_6403dup variant in CEP290 is a frameshift variant predicted to shift the reading frame beginning at codon 2135 and leads to a stop codon 9 codons downstream. This variant is expected to result in nonsense mediated decay, truncation, or a dysfunctional protein product. This variant is rare in the general population with a frequency below the threshold expected for the associated phenotype(s). Given the available evidence, this variant is classified as Likely Pathogenic.

Fulgent Genetics
Classification: Likely pathogenic for Joubert syndrome 5; Senior-Loken syndrome 6; Meckel syndrome, type 4; Leber congenital amaurosis 10; Bardet-Biedl syndrome 14. Last evaluated: 2024-04-10. Review status: criteria provided, single submitter. Criteria: ACMG Guidelines, 2015. Collection method: clinical testing. Allele origin: germline.

NM_025114.4(CEP290):c.6400_6403dup (p.Gly2135fs)

Gene: CEP290 (centrosomal protein 290; minus strand). Cytogenetic location: 12q21.32.
Variant type: Duplication.
Coding change: c.6400_6403dup on transcript NM_025114.4 (MANE Select); coding-DNA positions 6400 to 6403, 4 bases duplicated (ATTG; older notation c.6400_6403dupATTG).
Protein change: p.Gly2135fs; shifts the reading frame from glycine 2135.
Molecular consequence: frameshift variant.
Genome position (GRCh38, 1-based): chr12:88,060,949-88,060,952, CAAT duplicated on the plus strand (ATTG on the coding strand, the reverse complement: CEP290 is on the minus strand). VCF-style (leftmost placement, unchanged base first): chr12-88060948-C-CCAAT. GRCh37 (hg19) VCF-style: chr12-88454725-C-CCAAT.
Other names: c.6400_6403dup (NM_025114.3); short protein forms G2135fs.
Identifiers: ClinVar variation 3575371 (VCV003575371.2).
Genomic context (GRCh38, chr12:88,060,948, plus strand): 5'-GATGCTTTTTTCAACTGTTCATTTTCTCTCTGGACTTTTTCAACTACTTTTTTCATTAAA[C>CCAAT]CAATGGTTTTTTCCAGTTCTGGGATTGTCTTTCCACTTCTACCAGACTACGAAAGAATAT-3'